The following is an entry in ClinVar:

ClinVar aggregate classification (germline): Uncertain significance. Review status: criteria provided, multiple submitters, no conflicts (2 of 4 stars). 2 submissions from 2 submitters: Uncertain significance (2). Last evaluated 2023-04-07.

Conditions:
Hereditary spastic paraplegia 4. Also called: Spastic paraplegia 4, autosomal dominant; Familial spastic paraplegia autosomal dominant 2; Spastic Paraplegia 4. Identifiers: Orphanet 100985, MedGen C1866855, MONDO:0008438, OMIM 182601.

gnomAD v4.1: 2 of 1,550,484 alleles (0.00013%); highest among the groups gnomAD compares: Admixed American, 0.002%; no homozygotes.

Submissions (2):

Labcorp Genetics (formerly Invitae), Labcorp
Classification: Uncertain significance for Hereditary spastic paraplegia 4. Last evaluated: 2023-04-07. Review status: criteria provided, single submitter. Criteria: Invitae Variant Classification Sherloc (09022015). Collection method: clinical testing. Allele origin: germline.
Comment: In summary, the available evidence is currently insufficient to determine the role of this variant in disease. Therefore, it has been classified as a Variant of Uncertain Significance. Advanced modeling of protein sequence and biophysical properties (such as structural, functional, and spatial information, amino acid conservation, physicochemical variation, residue mobility, and thermodynamic stability) has been performed at Invitae for this missense variant, however the output from this modeling did not meet the statistical confidence thresholds required to predict the impact of this variant on SPAST protein function. ClinVar contains an entry for this variant (Variation ID: 1298799). This variant has not been reported in the literature in individuals affected with SPAST-related conditions. This variant is not present in population databases (gnomAD no frequency). This sequence change replaces phenylalanine, which is neutral and non-polar, with leucine, which is neutral and non-polar, at codon 124 of the SPAST protein (p.Phe124Leu).

CeGaT Center for Human Genetics Tuebingen
Classification: Uncertain significance. Last evaluated: 2021-08-01. Review status: criteria provided, single submitter. Criteria: CeGaT Center For Human Genetics Tuebingen Variant Classification Criteria Version 2. Collection method: clinical testing. Allele origin: germline. Affected: yes. Observed: 1 variant allele.

NM_014946.4(SPAST):c.372C>G (p.Phe124Leu)

Gene: SPAST (spastin; plus strand). Cytogenetic location: 2p22.3.
Variant type: single nucleotide variant.
Coding change: c.372C>G on transcript NM_014946.4 (MANE Select); coding-DNA position 372, C replaced by G.
Protein change: p.Phe124Leu; replaces phenylalanine 124 with leucine.
Molecular consequence: missense variant.
Genome position (GRCh38, 1-based): chr2:32,064,203, C>G. VCF-style: chr2-32064203-C-G. GRCh37 (hg19) VCF-style: chr2-32289272-C-G.
Other names: c.372C>G, p.Phe124Leu (NM_001363823.2, NM_001363875.2, NM_001377959.1 and 1 more transcripts); short protein forms F124L.
Identifiers: ClinVar variation 1298799 (VCV001298799.38), dbSNP rs754912349, ClinGen allele CA346602422.